The following is an entry in ClinVar:

NM_000368.5(TSC1):c.2837G>A (p.Ser946Asn)

Gene: TSC1 (TSC complex subunit 1; minus strand). Cytogenetic location: 9q34.13.
Variant type: single nucleotide variant.
Coding change: c.2837G>A on transcript NM_000368.5 (MANE Select); coding-DNA position 2837, G replaced by A.
Protein change: p.Ser946Asn; replaces serine 946 with asparagine.
Molecular consequence: missense variant.
Genome position (GRCh38, 1-based): chr9:132,897,322, C>T on the plus strand (G>A on the coding strand, the complement: TSC1 is on the minus strand). VCF-style: chr9-132897322-C-T. GRCh37 (hg19) VCF-style: chr9-135772709-C-T.
Other names: c.2834G>A, p.Ser945Asn (NM_001162426.2); c.2684G>A, p.Ser895Asn (NM_001162427.2); c.2474G>A, p.Ser825Asn (NM_001362177.2); short protein forms S945N, S946N, S825N, S895N.
Identifiers: ClinVar variation 846001 (VCV000846001.14), dbSNP rs1845130264, ClinGen allele CA375368905.

ClinVar aggregate classification (germline): Uncertain significance. Review status: criteria provided, multiple submitters, no conflicts (2 of 4 stars). 3 submissions from 3 submitters: Uncertain significance (3). Last evaluated 2025-11-05.

Conditions:
Isolated focal cortical dysplasia type II (FCORD2). Also called: CORTICAL DYSPLASIA OF TAYLOR; Focal cortical dysplasia type II. Identifiers: Orphanet 268994, MedGen C1846385, MONDO:0011818, OMIM 607341, HP:0032051.
Tuberous sclerosis 1 (TSC1). Identifiers: Orphanet 805, MedGen C1854465, MONDO:0008612, OMIM 191100.
Hereditary cancer-predisposing syndrome. Also called: Neoplastic Syndromes, Hereditary; Hereditary neoplastic syndrome; Tumor predisposition; Hereditary Cancer Syndrome. Identifiers: Orphanet 140162, MedGen C0027672, MeSH D009386, MONDO:0015356.

Submissions (3):

Ambry Genetics
Classification: Uncertain significance for Hereditary cancer-predisposing syndrome. Last evaluated: 2025-11-05. Review status: criteria provided, single submitter. Criteria: Ambry Variant Classification Scheme 2023. Collection method: clinical testing. Allele origin: germline.
Comment: The p.S946N variant (also known as c.2837G>A), located in coding exon 20 of the TSC1 gene, results from a G to A substitution at nucleotide position 2837. The serine at codon 946 is replaced by asparagine, an amino acid with highly similar properties. This amino acid position is conserved. In addition, this alteration is predicted to be tolerated by in silico analysis. Since supporting evidence is limited at this time, the clinical significance of this alteration remains unclear.

Labcorp Genetics (formerly Invitae), Labcorp
Classification: Uncertain significance for Tuberous sclerosis 1. Last evaluated: 2025-05-05. Review status: criteria provided, single submitter. Criteria: Invitae Variant Classification Sherloc (09022015). Collection method: clinical testing. Allele origin: germline.
Comment: This sequence change replaces serine, which is neutral and polar, with asparagine, which is neutral and polar, at codon 946 of the TSC1 protein (p.Ser946Asn). This variant is not present in population databases (gnomAD no frequency). This variant has not been reported in the literature in individuals affected with TSC1-related conditions. ClinVar contains an entry for this variant (Variation ID: 846001). Invitae Evidence Modeling of protein sequence and biophysical properties (such as structural, functional, and spatial information, amino acid conservation, physicochemical variation, residue mobility, and thermodynamic stability) indicates that this missense variant is not expected to disrupt TSC1 protein function with a negative predictive value of 95%. In summary, the available evidence is currently insufficient to determine the role of this variant in disease. Therefore, it has been classified as a Variant of Uncertain Significance.

Baylor Genetics
Classification: Uncertain significance for Isolated focal cortical dysplasia type II. Last evaluated: 2024-01-24. Review status: criteria provided, single submitter. Criteria: ACMG Guidelines, 2015. Collection method: clinical testing. Allele origin: unknown.